The following is an entry in ClinVar:

ClinVar aggregate classification (germline): Uncertain significance (1 of 4 stars; one submission).

Allele frequency attached by ClinVar (database versions not stated): gnomAD exomes 0.00001.
gnomAD v4.1: 5 of 1,613,956 alleles (0.00031%); highest among the groups gnomAD compares: Non-Finnish European, 0.00042%; no homozygotes.

Submission:

GeneDx
Classification: Uncertain significance. Last evaluated: 2022-06-02. Review status: criteria provided, single submitter. Criteria: GeneDx Variant Classification Process June 2021. Collection method: clinical testing. Allele origin: germline. Affected: yes.
Comment: Not observed at significant frequency in large population cohorts (gnomAD); In silico analysis supports that this missense variant does not alter protein structure/function; Has not been previously published as pathogenic or benign to our knowledge

NM_022455.5(NSD1):c.3870G>T (p.Gln1290His)

Gene: NSD1 (nuclear receptor binding SET domain protein 1; plus strand). Cytogenetic location: 5q35.3.
Variant type: single nucleotide variant.
Coding change: c.3870G>T on transcript NM_022455.5 (MANE Select); coding-DNA position 3870, G replaced by T.
Protein change: p.Gln1290His; replaces glutamine 1290 with histidine.
Molecular consequence: missense variant.
Genome position (GRCh38, 1-based): chr5:177,235,894, G>T. VCF-style: chr5-177235894-G-T. GRCh37 (hg19) VCF-style: chr5-176662895-G-T.
Other names: c.2997G>T, p.Gln999His (NM_001365684.2, NM_001409306.1, NM_001409307.1 and 3 more transcripts); c.3870G>T, p.Gln1290His (NM_001409301.1, NM_001409302.1, NM_001409303.1); c.3450G>T, p.Gln1150His (NM_001409304.1); c.3117G>T, p.Gln1039His (NM_001409305.1); short protein forms Q1021H, Q1039H, Q1150H, Q1290H, Q999H.
Identifiers: ClinVar variation 1801952 (VCV001801952.1), dbSNP rs2480580868, ClinGen allele CA362338228.
Genomic context (GRCh38, chr5:177,235,894, plus strand): 5'-GAAGAAACGCCTTAGGAAGCCAAGCAAGTGGCTTTTGGAATATACAGAAGAATATGATCA[G>T]ATATTTGCTCCTAAGAAAAAACAAAAGAAGGTACAGGAGCAGGTGCACAAGGTATGTTGC-3'
Protein context (NP_071900.2, residues 1280-1300): WLLEYTEEYD[Gln1290His]IFAPKKKQKK